The following is an entry in ClinVar:

ClinVar aggregate classification (germline): Likely pathogenic (1 of 4 stars; one submission).

Conditions:
GNE myopathy (NM). Also called: INCLUSION BODY MYOPATHY, HEREDITARY, AUTOSOMAL RECESSIVE; INCLUSION BODY MYOPATHY 2, AUTOSOMAL RECESSIVE; MYOPATHY, DISTAL, WITH OR WITHOUT RIMMED VACUOLES; IBM 2; Inclusion body myopathy autosomal recessive; Inclusion body myopathy quadriceps sparing. Identifiers: Orphanet 602, MedGen C1853926, MONDO:0011603, OMIM 605820.

Submission:

Natera, Inc.
Classification: Likely pathogenic for Nonaka myopathy. Last evaluated: 2024-09-30. Review status: criteria provided, single submitter. Criteria: Natera Variant Classification Schema (03/2026). Collection method: clinical testing. Allele origin: germline.
Comment: The c.3_4insCA variant in GNE is predicted to result in start loss due to disruption of the initiator methionine. This variant is expected to result in nonsense mediated decay, truncation, or a dysfunctional protein product. This variant is rare in the general population with a frequency below the threshold expected for the associated phenotype(s). Given the available evidence, this variant is classified as Likely Pathogenic.

NM_001128227.3(GNE):c.3_4insCA (p.Glu2fs)

Gene: GNE (glucosamine (UDP-N-acetyl)-2-epimerase/N-acetylmannosamine kinase; minus strand). Cytogenetic location: 9p13.3.
Variant type: Insertion.
Coding change: c.3_4insCA on transcript NM_001128227.3 (MANE Plus Clinical); coding-DNA positions 3 to 4, CA inserted.
Protein change: p.Glu2fs; shifts the reading frame from glutamic acid 2.
Molecular consequence: frameshift variant, initiator codon variant. On other transcripts: 5 prime UTR variant (1).
Genome position: GRCh38 VCF-style: chr9-36276941-C-CTG. GRCh37 (hg19) VCF-style: chr9-36276938-C-CTG.
Other names: c.-62_-61insCA (NM_001190388.2); short protein forms E2fs.
Identifiers: ClinVar variation 4814609 (VCV004814609.1).